The following is an entry in ClinVar:

NM_001297.5(CNGB1):c.1554G>C (p.Glu518Asp)

Gene: CNGB1 (cyclic nucleotide gated channel subunit beta 1; minus strand). Cytogenetic location: 16q21.
Variant type: single nucleotide variant.
Coding change: c.1554G>C on transcript NM_001297.5 (MANE Select); coding-DNA position 1554, G replaced by C.
Protein change: p.Glu518Asp; replaces glutamic acid 518 with aspartic acid.
Molecular consequence: missense variant.
Genome position (GRCh38, 1-based): chr16:57,923,362, C>G on the plus strand (G>C on the coding strand, the complement: CNGB1 is on the minus strand). VCF-style: chr16-57923362-C-G. GRCh37 (hg19) VCF-style: chr16-57957266-C-G.
Other names: c.1536G>C, p.Glu512Asp (NM_001286130.2); short protein forms E512D, E518D.
Identifiers: ClinVar variation 1040316 (VCV001040316.8), dbSNP rs1961100684, ClinGen allele CA396068053.

ClinVar aggregate classification (germline): Uncertain significance (1 of 4 stars; one submission).

Submission:

Labcorp Genetics (formerly Invitae), Labcorp
Classification: Uncertain significance. Last evaluated: 2024-12-03. Review status: criteria provided, single submitter. Criteria: Invitae Variant Classification Sherloc (09022015). Collection method: clinical testing. Allele origin: germline.
Comment: This sequence change replaces glutamic acid, which is acidic and polar, with aspartic acid, which is acidic and polar, at codon 518 of the CNGB1 protein (p.Glu518Asp). This variant is not present in population databases (gnomAD no frequency). This variant has not been reported in the literature in individuals affected with CNGB1-related conditions. ClinVar contains an entry for this variant (Variation ID: 1040316). Invitae Evidence Modeling of protein sequence and biophysical properties (such as structural, functional, and spatial information, amino acid conservation, physicochemical variation, residue mobility, and thermodynamic stability) indicates that this missense variant is not expected to disrupt CNGB1 protein function with a negative predictive value of 95%. In summary, the available evidence is currently insufficient to determine the role of this variant in disease. Therefore, it has been classified as a Variant of Uncertain Significance.